The following is an entry in ClinVar:

NM_147127.5(EVC2):c.2200G>A (p.Asp734Asn)

Gene: EVC2 (EvC ciliary complex subunit 2; minus strand). Cytogenetic location: 4p16.2.
Variant type: single nucleotide variant.
Coding change: c.2200G>A on transcript NM_147127.5 (MANE Select); coding-DNA position 2200, G replaced by A.
Protein change: p.Asp734Asn; replaces aspartic acid 734 with asparagine.
Molecular consequence: missense variant.
Genome position (GRCh38, 1-based): chr4:5,622,838, C>T on the plus strand (G>A on the coding strand, the complement: EVC2 is on the minus strand). VCF-style: chr4-5622838-C-T. GRCh37 (hg19) VCF-style: chr4-5624565-C-T.
Other names: c.2200G>A (NM_147127.4); c.1960G>A, p.Asp654Asn (NM_001166136.2); short protein forms D654N, D734N.
Identifiers: ClinVar variation 1053813 (VCV001053813.7), dbSNP rs1715808033, ClinGen allele CA356145084.

ClinVar aggregate classification (germline): Uncertain significance. Review status: criteria provided, multiple submitters, no conflicts (2 of 4 stars). 2 submissions from 2 submitters: Uncertain significance (2). Last evaluated 2023-11-21.

Conditions:
EVC2-related disorder. Also called: EVC2-related condition.
Ellis-van Creveld syndrome (EVC). Also called: EVC-Related Ellis-van Creveld Syndrome; EVC2-Related Ellis-van Creveld Syndrome; MESOECTODERMAL DYSPLASIA; Chondroectodermal dysplasia. Identifiers: Orphanet 289, MedGen C0013903, MONDO:0009162, OMIM 225500.
Curry-Hall syndrome (WAD). Also called: WEYERS ACRODENTAL DYSOSTOSIS. Identifiers: Orphanet 952, MedGen C0457013, MONDO:0008673, OMIM 193530.

Allele frequency attached by ClinVar (database versions not stated): gnomAD exomes below 0.00001; TOPMed below 0.00001.
gnomAD v4.1: 6 of 1,614,098 alleles (0.00037%); highest among the groups gnomAD compares: Non-Finnish European, 0.00051%; no homozygotes.

Submissions (2):

Labcorp Genetics (formerly Invitae), Labcorp
Classification: Uncertain significance for Curry-Hall syndrome; Ellis-van Creveld syndrome. Last evaluated: 2023-11-21. Review status: criteria provided, single submitter. Criteria: Invitae Variant Classification Sherloc (09022015). Collection method: clinical testing. Allele origin: germline.
Comment: This sequence change replaces aspartic acid, which is acidic and polar, with asparagine, which is neutral and polar, at codon 734 of the EVC2 protein (p.Asp734Asn). This variant is not present in population databases (gnomAD no frequency). This variant has not been reported in the literature in individuals affected with EVC2-related conditions. ClinVar contains an entry for this variant (Variation ID: 1053813). An algorithm developed to predict the effect of missense changes on protein structure and function (PolyPhen-2) suggests that this variant is likely to be disruptive. In summary, the available evidence is currently insufficient to determine the role of this variant in disease. Therefore, it has been classified as a Variant of Uncertain Significance.

PreventionGenetics, part of Exact Sciences
Classification: Uncertain significance for EVC2-related condition. Last evaluated: 2023-09-26. Review status: criteria provided, single submitter. Criteria: ACMG Guidelines, 2015. Collection method: clinical testing. Allele origin: germline.
Comment: The EVC2 c.2200G>A variant is predicted to result in the amino acid substitution p.Asp734Asn. To our knowledge, this variant has not been reported in the literature or in a large population database, indicating this variant is rare. At this time, the clinical significance of this variant is uncertain due to the absence of conclusive functional and genetic evidence.